The following is an entry in ClinVar:

ClinVar aggregate classification (germline): Uncertain significance (1 of 4 stars; one submission).

Conditions:
Familial thoracic aortic aneurysm and aortic dissection (TAAD). Also called: Thoracic aortic aneurysms and dissections. Identifiers: Orphanet 91387, MedGen C4707243, MONDO:0019625.

gnomAD v4.1: 1 of 1,609,336 alleles (0.000062%); highest among the groups gnomAD compares: East Asian, 0.0022%; no homozygotes.

Submission:

Ambry Genetics
Classification: Uncertain significance for Familial thoracic aortic aneurysm and aortic dissection. Last evaluated: 2024-12-17. Review status: criteria provided, single submitter. Criteria: Ambry Variant Classification Scheme 2023. Collection method: clinical testing. Allele origin: germline.
Comment: The p.T2541N variant (also known as c.7622C>A), located in coding exon 34 of the NOTCH1 gene, results from a C to A substitution at nucleotide position 7622. The threonine at codon 2541 is replaced by asparagine, an amino acid with similar properties. This amino acid position is conserved. In addition, this alteration is predicted to be tolerated by in silico analysis. Based on the available evidence, the clinical significance of this variant remains unclear.

NM_017617.5(NOTCH1):c.7622C>A (p.Thr2541Asn)

Gene: NOTCH1 (notch receptor 1; minus strand). Cytogenetic location: 9q34.3.
Variant type: single nucleotide variant.
Coding change: c.7622C>A on transcript NM_017617.5 (MANE Select); coding-DNA position 7622, C replaced by A.
Protein change: p.Thr2541Asn; replaces threonine 2541 with asparagine.
Molecular consequence: missense variant.
Genome position (GRCh38, 1-based): chr9:136,496,117, G>T on the plus strand (C>A on the coding strand, the complement: NOTCH1 is on the minus strand). VCF-style: chr9-136496117-G-T. GRCh37 (hg19) VCF-style: chr9-139390569-G-T.
Other names: short protein forms T2541N.
Identifiers: ClinVar variation 3880473 (VCV003880473.1).
Genomic context (GRCh38, chr9:136,496,117, plus strand): 5'-GTGGGGCGCGCCGTTTACTTGAAGGCCTCCGGAATGCGGGCGATCTGGGACTGCATGCTG[G>T]TGGGAGGGCTGGAGACGCCCTCGGACCAGTCGGAGACGTTGGAATGCGGGGACGAGCTGG-3'
Protein context (NP_060087.3, residues 2531-2551): DWSEGVSSPP[Thr2541Asn]SMQSQIARIP